The following is an entry in ClinVar:

ClinVar aggregate classification (germline): Uncertain significance (1 of 4 stars; one submission).

Conditions:
Immunodeficiency 39 (IMD39). Identifiers: Orphanet 574918, MedGen C4225358, MONDO:0014597, OMIM 616345.

Submission:

Labcorp Genetics (formerly Invitae), Labcorp
Classification: Uncertain significance for Immunodeficiency 39. Last evaluated: 2022-07-05. Review status: criteria provided, single submitter. Criteria: Invitae Variant Classification Sherloc (09022015). Collection method: clinical testing. Allele origin: germline.
Comment: In summary, the available evidence is currently insufficient to determine the role of this variant in disease. Therefore, it has been classified as a Variant of Uncertain Significance. This sequence change replaces arginine, which is basic and polar, with cysteine, which is neutral and slightly polar, at codon 50 of the IRF7 protein (p.Arg50Cys). The frequency data for this variant in the population databases is considered unreliable, as metrics indicate poor data quality at this position in the gnomAD database. This variant has not been reported in the literature in individuals affected with IRF7-related conditions. ClinVar contains an entry for this variant (Variation ID: 1004159). Algorithms developed to predict the effect of missense changes on protein structure and function are either unavailable or do not agree on the potential impact of this missense change (SIFT: "Deleterious"; PolyPhen-2: "Possibly Damaging"; Align-GVGD: "Class C0").

NM_001572.5(IRF7):c.109C>T (p.Arg37Cys)

Gene: IRF7 (interferon regulatory factor 7; minus strand). Cytogenetic location: 11p15.5.
Variant type: single nucleotide variant.
Coding change: c.109C>T on transcript NM_001572.5 (MANE Select); coding-DNA position 109, C replaced by T.
Protein change: p.Arg37Cys; replaces arginine 37 with cysteine.
Molecular consequence: missense variant.
Genome position (GRCh38, 1-based): chr11:615,171, G>A on the plus strand (C>T on the coding strand, the complement: IRF7 is on the minus strand). VCF-style: chr11-615171-G-A. GRCh37 (hg19) VCF-style: chr11-615171-G-A.
Other names: c.109C>T, p.Arg37Cys (NM_004029.4); c.148C>T, p.Arg50Cys (NM_004031.4); short protein forms R37C, R50C.
Identifiers: ClinVar variation 1004159 (VCV001004159.8), dbSNP rs1208973721, ClinGen allele CA378984533.